The following is an entry in ClinVar:

ClinVar aggregate classification (germline): Uncertain significance (1 of 4 stars; one submission).

Submission:

Labcorp Genetics (formerly Invitae), Labcorp
Classification: Uncertain significance. Last evaluated: 2025-07-08. Review status: criteria provided, single submitter. Criteria: Invitae Variant Classification Sherloc (09022015). Collection method: clinical testing. Allele origin: germline.
Comment: This sequence change replaces valine, which is neutral and non-polar, with alanine, which is neutral and non-polar, at codon 248 of the CUL3 protein (p.Val248Ala). This variant is not present in population databases (gnomAD no frequency). This variant has not been reported in the literature in individuals affected with CUL3-related conditions. Invitae Evidence Modeling of protein sequence and biophysical properties (such as structural, functional, and spatial information, amino acid conservation, physicochemical variation, residue mobility, and thermodynamic stability) indicates that this missense variant is not expected to disrupt CUL3 protein function with a negative predictive value of 95%. In summary, the available evidence is currently insufficient to determine the role of this variant in disease. Therefore, it has been classified as a Variant of Uncertain Significance.

NM_003590.5(CUL3):c.743T>C (p.Val248Ala)

Gene: CUL3 (cullin 3; minus strand). Cytogenetic location: 2q36.2.
Variant type: single nucleotide variant.
Coding change: c.743T>C on transcript NM_003590.5 (MANE Select); coding-DNA position 743, T replaced by C.
Protein change: p.Val248Ala; replaces valine 248 with alanine.
Molecular consequence: missense variant.
Genome position (GRCh38, 1-based): chr2:224,511,494, A>G on the plus strand (T>C on the coding strand, the complement: CUL3 is on the minus strand). VCF-style: chr2-224511494-A-G. GRCh37 (hg19) VCF-style: chr2-225376211-A-G.
Other names: c.545T>C, p.Val182Ala (NM_001257197.2); c.761T>C, p.Val254Ala (NM_001257198.2); short protein forms V182A, V248A, V254A.
Identifiers: ClinVar variation 4751238 (VCV004751238.1).
Genomic context (GRCh38, chr2:224,511,494, plus strand): 5'-AGTTCCCTTTCAACCACCTTTACAATTGGTTCTTCCGTTGATTTGTCAAGGCAGTGCATC[A>G]CTCGTTCTATTTCTTCATTAATTCTAGCTTCTACTTTCTTTATATATACTGAAGCACTAT-3'
Protein context (NP_003581.1, residues 238-258): EARINEEIER[Val248Ala]MHCLDKSTEE